The following is an entry in ClinVar:

NM_022041.4(GAN):c.922G>A (p.Glu308Lys)

Gene: GAN (gigaxonin; plus strand). Cytogenetic location: 16q23.2.
Variant type: single nucleotide variant.
Coding change: c.922G>A on transcript NM_022041.4 (MANE Select); coding-DNA position 922, G replaced by A.
Protein change: p.Glu308Lys; replaces glutamic acid 308 with lysine.
Molecular consequence: missense variant.
Genome position (GRCh38, 1-based): chr16:81,357,880, G>A. VCF-style: chr16-81357880-G-A. GRCh37 (hg19) VCF-style: chr16-81391485-G-A.
Other names: c.283G>A, p.Glu95Lys (NM_001377486.1); short protein forms E95K, E308K.
Identifiers: ClinVar variation 850076 (VCV000850076.9), dbSNP rs1192845121, ClinGen allele CA396873434.

ClinVar aggregate classification (germline): Uncertain significance (1 of 4 stars; one submission).

Conditions:
Giant axonal neuropathy 1 (GAN1). Also called: GAN-Related Neurodegeneration; GIANT AXONAL NEUROPATHY 1, AUTOSOMAL RECESSIVE. Identifiers: Orphanet 643, MedGen C1850386, MONDO:0009749, OMIM 256850.

gnomAD v4.1: 3 of 1,613,734 alleles (0.00019%); highest among the groups gnomAD compares: Non-Finnish European, 0.00017%; no homozygotes.

Submission:

Labcorp Genetics (formerly Invitae), Labcorp
Classification: Uncertain significance for Giant axonal neuropathy 1. Last evaluated: 2019-02-12. Review status: criteria provided, single submitter. Criteria: Invitae Variant Classification Sherloc (09022015). Collection method: clinical testing. Allele origin: germline.
Comment: This sequence change replaces glutamic acid with lysine at codon 308 of the GAN protein (p.Glu308Lys). The glutamic acid residue is moderately conserved and there is a small physicochemical difference between glutamic acid and lysine. This variant is not present in population databases (ExAC no frequency). This variant has not been reported in the literature in individuals with GAN-related conditions. Algorithms developed to predict the effect of missense changes on protein structure and function (SIFT, PolyPhen-2, Align-GVGD) all suggest that this variant is likely to be tolerated, but these predictions have not been confirmed by published functional studies and their clinical significance is uncertain. In summary, the available evidence is currently insufficient to determine the role of this variant in disease. Therefore, it has been classified as a Variant of Uncertain Significance.